The following is an entry in ClinVar:

NM_152296.5(ATP1A3):c.2772G>C (p.Leu924=)

Gene: ATP1A3 (ATPase Na+/K+ transporting subunit alpha 3; minus strand). Cytogenetic location: 19q13.2.
Variant type: single nucleotide variant.
Coding change: c.2772G>C on transcript NM_152296.5 (MANE Select); coding-DNA position 2772, G replaced by C.
Protein change: p.Leu924=; no amino-acid change (leucine 924 retained).
Molecular consequence: synonymous variant.
Genome position (GRCh38, 1-based): chr19:41,968,832, C>G on the plus strand (G>C on the coding strand, the complement: ATP1A3 is on the minus strand). VCF-style: chr19-41968832-C-G. GRCh37 (hg19) VCF-style: chr19-42472984-C-G.
Other names: c.2805G>C, p.Leu935= (NM_001256213.2); c.2811G>C, p.Leu937= (NM_001256214.2).
Identifiers: ClinVar variation 2649932 (VCV002649932.24), dbSNP rs1380529477, ClinGen allele CA507581606.

ClinVar aggregate classification (germline): Likely benign (1 of 4 stars; one submission).

Submission:

CeGaT Center for Human Genetics Tuebingen
Classification: Likely benign. Last evaluated: 2022-10-01. Review status: criteria provided, single submitter. Criteria: CeGaT Center For Human Genetics Tuebingen Variant Classification Criteria Version 2. Collection method: clinical testing. Allele origin: germline. Affected: yes. Observed: 1 variant allele.
Comment: ATP1A3: PM2:Supporting, BP4, BP7